The following is an entry in ClinVar:

NM_000057.4(BLM):c.3022G>A (p.Glu1008Lys)

Gene: BLM (BLM RecQ like helicase; plus strand). Cytogenetic location: 15q26.1.
Variant type: single nucleotide variant.
Coding change: c.3022G>A on transcript NM_000057.4 (MANE Select); coding-DNA position 3022, G replaced by A.
Protein change: p.Glu1008Lys; replaces glutamic acid 1008 with lysine.
Molecular consequence: missense variant.
Genome position (GRCh38, 1-based): chr15:90,794,169, G>A. VCF-style: chr15-90794169-G-A. GRCh37 (hg19) VCF-style: chr15-91337399-G-A.
Other names: c.3022G>A, p.Glu1008Lys (NM_001287246.2, NM_001287247.2); c.1897G>A, p.Glu633Lys (NM_001287248.2); short protein forms E1008K, E633K.
Identifiers: ClinVar variation 4211850 (VCV004211850.2).

ClinVar aggregate classification (germline): Uncertain significance. Review status: criteria provided, multiple submitters, no conflicts (2 of 4 stars). 2 submissions from 2 submitters: Uncertain significance (2). Last evaluated 2026-01-31.

Conditions:
Bloom syndrome (BLM). Also called: Bloom-Torre-Machacek syndrome. Identifiers: Orphanet 125, MedGen C0005859, MONDO:0008876, OMIM 210900.
Hereditary cancer-predisposing syndrome. Also called: Neoplastic Syndromes, Hereditary; Tumor predisposition; Hereditary Cancer Syndrome; Hereditary neoplastic syndrome. Identifiers: Orphanet 140162, MedGen C0027672, MeSH D009386, MONDO:0015356.

Submissions (2):

Labcorp Genetics (formerly Invitae), Labcorp
Classification: Uncertain significance for Bloom syndrome. Last evaluated: 2026-01-31. Review status: criteria provided, single submitter. Criteria: Invitae Variant Classification Sherloc (09022015). Collection method: clinical testing. Allele origin: germline.
Comment: This sequence change replaces glutamic acid, which is acidic and polar, with lysine, which is basic and polar, at codon 1008 of the BLM protein (p.Glu1008Lys). This variant is not present in population databases (gnomAD no frequency). This variant has not been reported in the literature in individuals affected with BLM-related conditions. ClinVar contains an entry for this variant (Variation ID: 4211850). An algorithm developed to predict the effect of missense changes on protein structure and function (PolyPhen-2) suggests that this variant is likely to be disruptive. In summary, the available evidence is currently insufficient to determine the role of this variant in disease. Therefore, it has been classified as a Variant of Uncertain Significance.

Ambry Genetics
Classification: Uncertain significance for Hereditary cancer-predisposing syndrome. Last evaluated: 2025-07-24. Review status: criteria provided, single submitter. Criteria: Ambry Variant Classification Scheme 2023. Collection method: clinical testing. Allele origin: germline.
Comment: The p.E1008K variant (also known as c.3022G>A), located in coding exon 15 of the BLM gene, results from a G to A substitution at nucleotide position 3022. The glutamic acid at codon 1008 is replaced by lysine, an amino acid with similar properties. This amino acid position is conserved. In addition, the in silico prediction for this alteration is inconclusive. Based on the available evidence, the clinical significance of this variant remains unclear.